The following is an entry in ClinVar:

NM_000092.5(COL4A4):c.4792G>A (p.Gly1598Arg)

Gene: COL4A4 (collagen type IV alpha 4 chain; minus strand). Cytogenetic location: 2q36.3.
Variant type: single nucleotide variant.
Coding change: c.4792G>A on transcript NM_000092.5 (MANE Select); coding-DNA position 4792, G replaced by A.
Protein change: p.Gly1598Arg; replaces glycine 1598 with arginine.
Molecular consequence: missense variant.
Genome position (GRCh38, 1-based): chr2:227,008,035, C>T on the plus strand (G>A on the coding strand, the complement: COL4A4 is on the minus strand). VCF-style: chr2-227008035-C-T. GRCh37 (hg19) VCF-style: chr2-227872751-C-T.
Other names: short protein forms G1598R.
Identifiers: ClinVar variation 975086 (VCV000975086.8), dbSNP rs1403779580, ClinGen allele CA351140467.

ClinVar aggregate classification (germline): Uncertain significance. Review status: criteria provided, multiple submitters, no conflicts (2 of 4 stars). 5 submissions from 5 submitters: Uncertain significance (5). Last evaluated 2024-10-02.

Conditions:
Benign familial hematuria. Also called: thin basement membrane disease. Identifiers: MedGen C0241908, MONDO:0957317.
Inborn genetic diseases. Identifiers: MedGen C0950123, MeSH D030342.
Autosomal recessive Alport syndrome (ATS2). Also called: COL4A4 Alport Syndrome and Thin Basement Membrane Nephropathy; ALPORT SYNDROME 2, AUTOSOMAL RECESSIVE; Alport syndrome type 2; COL4A3-Related Nephropathy. Identifiers: Orphanet 63, Orphanet 88919, MedGen C4746745, MONDO:0008762, OMIM 203780.
Hematuria, benign familial, 1 (BFH1). Also called: THIN MEMBRANE NEPHROPATHY. Identifiers: MedGen CN376803, MONDO:0007709, OMIM 141200.

Allele frequency attached by ClinVar (database versions not stated): gnomAD 0.00001.
gnomAD v4.1: 1 of 1,612,286 alleles (0.000062%); highest among the groups gnomAD compares: South Asian, 0.0011%; no homozygotes.

Submissions (5):

Ambry Genetics
Classification: Uncertain significance for Inborn genetic diseases. Last evaluated: 2024-10-02. Review status: criteria provided, single submitter. Criteria: Ambry Variant Classification Scheme 2023. Collection method: clinical testing. Allele origin: germline.

Fulgent Genetics
Classification: Uncertain significance for Hematuria, benign familial, 1; Autosomal recessive Alport syndrome. Last evaluated: 2024-01-02. Review status: criteria provided, single submitter. Criteria: ACMG Guidelines, 2015. Collection method: clinical testing. Allele origin: germline.

Blueprint Genetics
Classification: Uncertain significance. Last evaluated: 2021-08-31. Review status: criteria provided, single submitter. Criteria: ACMG Guidelines, 2015. Collection method: clinical testing. Allele origin: germline.

Victorian Clinical Genetics Services, Murdoch Childrens Research Institute
Classification: Uncertain significance for Hematuria, benign familial, 1. Last evaluated: 2019-02-10. Review status: criteria provided, single submitter. Criteria: ACMG Guidelines, 2015. Collection method: clinical testing. Allele origin: unknown. Affected: yes.
Comment: A heterozygous missense variant, NM_000092.4(COL4A4):c.4792G>A, has been identified in exon 47 of 48 of the COL4A4 gene. The variant is predicted to result in a major amino acid change from glycine to arginine at position 1598 of the protein (NP_000083.3(COL4A4):p.(Gly1598Arg)). The glycine residue at this position has very high conservation (100 vertebrates, UCSC), and is located within the C4 functional domain. In silico predictions for this variant are consistently pathogenic (PolyPhen, SIFT, CADD, MutationTaster). The variant is absent in population databases (gnomAD). This variant has not been previously reported in clinical cases. Based on the information available at the time of curation, this variant has been classified as VARIANT of UNCERTAIN SIGNIFICANCE (VUS) with POTENTIAL CLINICAL RELEVANCE.

Juno Genomics, Hangzhou Juno Genomics, Inc
Classification: Uncertain significance for Hematuria, benign familial, 1; Autosomal recessive Alport syndrome. Review status: criteria provided, single submitter. Criteria: ACMG Guidelines, 2015. Collection method: clinical testing. Allele origin: germline. Affected: yes.
Comment: Absent from controls (or at extremely low frequency if recessive) in Genome Aggregation Database, Exome Sequencing Project, 1000 Genomes Project, or Exome Aggregation Consortium.;Multiple lines of computational evidence support a deleterious effect on the gene or gene product (conservation, evolutionary, splicing impact, etc).

Literature cited by the submitters: PubMed 32939031 (cited by Ambry Genetics).